The following is an entry in ClinVar:

ClinVar aggregate classification (germline): Uncertain significance (1 of 4 stars; one submission).

Conditions:
Cardiovascular phenotype. Identifiers: MedGen CN230736.

Submission:

Ambry Genetics
Classification: Uncertain significance for Cardiovascular phenotype. Last evaluated: 2023-11-13. Review status: criteria provided, single submitter. Criteria: Ambry Variant Classification Scheme 2023. Collection method: clinical testing. Allele origin: germline.
Comment: The p.Y232H variant (also known as c.694T>C), located in coding exon 6 of the CASQ2 gene, results from a T to C substitution at nucleotide position 694. The tyrosine at codon 232 is replaced by histidine, an amino acid with similar properties. This amino acid position is conserved. In addition, this alteration is predicted to be tolerated by in silico analysis. Since supporting evidence is limited at this time, the clinical significance of this alteration remains unclear.

NM_001232.4(CASQ2):c.694T>C (p.Tyr232His)

Gene: CASQ2 (calsequestrin 2; minus strand). Cytogenetic location: 1p13.1.
Variant type: single nucleotide variant.
Coding change: c.694T>C on transcript NM_001232.4 (MANE Select); coding-DNA position 694, T replaced by C.
Protein change: p.Tyr232His; replaces tyrosine 232 with histidine.
Molecular consequence: missense variant.
Genome position (GRCh38, 1-based): chr1:115,727,035, A>G on the plus strand (T>C on the coding strand, the complement: CASQ2 is on the minus strand). VCF-style: chr1-115727035-A-G. GRCh37 (hg19) VCF-style: chr1-116269656-A-G.
Other names: short protein forms Y232H.
Identifiers: ClinVar variation 3221466 (VCV003221466.1), dbSNP rs2464892770, ClinGen allele CA341768710.